The following is an entry in ClinVar:

ClinVar aggregate classification (germline): Uncertain significance (1 of 4 stars; one submission).

Submission:

Labcorp Genetics (formerly Invitae), Labcorp
Classification: Uncertain significance. Last evaluated: 2021-07-06. Review status: criteria provided, single submitter. Criteria: Invitae Variant Classification Sherloc (09022015). Collection method: clinical testing. Allele origin: germline.
Comment: In summary, the available evidence is currently insufficient to determine the role of this variant in disease. Therefore, it has been classified as a Variant of Uncertain Significance. Algorithms developed to predict the effect of sequence changes on RNA splicing suggest that this variant may create or strengthen a splice site. Advanced modeling of protein sequence and biophysical properties (such as structural, functional, and spatial information, amino acid conservation, physicochemical variation, residue mobility, and thermodynamic stability) performed at Invitae indicates that this missense variant is not expected to disrupt KMT2A protein function. This variant has not been reported in the literature in individuals affected with KMT2A-related conditions. This variant is not present in population databases (ExAC no frequency). This sequence change replaces serine with glycine at codon 3357 of the KMT2A protein (p.Ser3357Gly). The serine residue is weakly conserved and there is a small physicochemical difference between serine and glycine.

NM_001197104.2(KMT2A):c.10069A>G (p.Ser3357Gly)

Gene: KMT2A (lysine methyltransferase 2A; plus strand). Cytogenetic location: 11q23.3.
Variant type: single nucleotide variant.
Coding change: c.10069A>G on transcript NM_001197104.2 (MANE Select); coding-DNA position 10069, A replaced by G.
Protein change: p.Ser3357Gly; replaces serine 3357 with glycine.
Molecular consequence: missense variant.
Genome position (GRCh38, 1-based): chr11:118,505,961, A>G. VCF-style: chr11-118505961-A-G. GRCh37 (hg19) VCF-style: chr11-118376676-A-G.
Other names: c.10060A>G, p.Ser3354Gly (NM_005933.4); short protein forms S3354G, S3357G.
Identifiers: ClinVar variation 1503804 (VCV001503804.8), dbSNP rs2134409770, ClinGen allele CA382822582.
Genomic context (GRCh38, chr11:118,505,961, plus strand): 5'-TTGGCATCCAGTTCCTCTGTCTTGAATGTTGTATCCATGCAAACTACCACAACCCCTACA[A>G]GTAGTGCGTCAGTTCCAGGACACGTCACCTTAACCAACCCAAGGTTGCTTGGTACCCCAG-3'
Protein context (NP_001184033.1, residues 3347-3367): VSMQTTTTPT[Ser3357Gly]SASVPGHVTL